The following is an entry in ClinVar:

ClinVar aggregate classification (germline): Uncertain significance (1 of 4 stars; one submission).

Conditions:
3-methylcrotonyl-CoA carboxylase 1 deficiency (MCC1D). Also called: MCCD TYPE 1; METHYLCROTONYLGLYCINURIA TYPE I; MCC 1 deficiency; 3 Alpha methylcrotonylglycinuria 1. Identifiers: Orphanet 6, MedGen CN028786, MONDO:0008861, OMIM 210200.

Allele frequency attached by ClinVar (database versions not stated): gnomAD exomes below 0.00001; ExAC 0.00001; TOPMed 0.00001; ESP Exome Variant Server 0.00008.
gnomAD v4.1: 5 of 1,614,222 alleles (0.00031%); highest among the groups gnomAD compares: African/African-American, 0.0013%; no homozygotes.

Submission:

Labcorp Genetics (formerly Invitae), Labcorp
Classification: Uncertain significance for 3-methylcrotonyl-CoA carboxylase 1 deficiency. Last evaluated: 2022-09-30. Review status: criteria provided, single submitter. Criteria: Invitae Variant Classification Sherloc (09022015). Collection method: clinical testing. Allele origin: germline.
Comment: This sequence change replaces tyrosine, which is neutral and polar, with cysteine, which is neutral and slightly polar, at codon 107 of the MCCC1 protein (p.Tyr107Cys). This variant is present in population databases (rs144872258, gnomAD 0.007%). This variant has not been reported in the literature in individuals affected with MCCC1-related conditions. ClinVar contains an entry for this variant (Variation ID: 661455). Advanced modeling of protein sequence and biophysical properties (such as structural, functional, and spatial information, amino acid conservation, physicochemical variation, residue mobility, and thermodynamic stability) performed at Invitae indicates that this missense variant is expected to disrupt MCCC1 protein function. In summary, the available evidence is currently insufficient to determine the role of this variant in disease. Therefore, it has been classified as a Variant of Uncertain Significance.

NM_020166.5(MCCC1):c.320A>G (p.Tyr107Cys)

Gene: MCCC1 (methylcrotonyl-CoA carboxylase subunit 1; minus strand). Cytogenetic location: 3q27.1.
Variant type: single nucleotide variant.
Coding change: c.320A>G on transcript NM_020166.5 (MANE Select); coding-DNA position 320, A replaced by G.
Protein change: p.Tyr107Cys; replaces tyrosine 107 with cysteine.
Molecular consequence: missense variant. On other transcripts: 5 prime UTR variant (1), non-coding transcript variant (1).
Genome position (GRCh38, 1-based): chr3:183,086,742, T>C on the plus strand (A>G on the coding strand, the complement: MCCC1 is on the minus strand). VCF-style: chr3-183086742-T-C. GRCh37 (hg19) VCF-style: chr3-182804530-T-C.
Other names: c.91A>G, p.Thr31Ala (NM_001293273.2); c.-8A>G (NM_001363880.1); short protein forms T31A, Y107C.
Identifiers: ClinVar variation 661455 (VCV000661455.6), dbSNP rs144872258, ClinGen allele CA2719110.